The following is an entry in ClinVar:

ClinVar aggregate classification (germline): Conflicting classifications of pathogenicity. Review status: criteria provided, conflicting classifications (1 of 4 stars). 3 submissions from 3 submitters: Uncertain significance (2); Likely benign (1). Last evaluated 2024-04-04.

Conditions:
Hydrocephalus, nonsyndromic, autosomal recessive 1 (HYC1). Also called: Hydrocephalus, nonsyndromic, autosomal recessive; Congenital hydrocephalus 1. Identifiers: Orphanet 2185, MedGen C3887608, MONDO:0009360, OMIM 236600.
Spinocerebellar ataxia type 40. Identifiers: Orphanet 423275, MedGen C4518336, MONDO:0014475, OMIM 616053.
Inborn genetic diseases. Identifiers: MedGen C0950123, MeSH D030342.

Allele frequency attached by ClinVar (database versions not stated): ExAC 0.00003; gnomAD 0.00003; TOPMed 0.00003.
gnomAD v4.1: 50 of 1,544,292 alleles (0.0032%); highest among the groups gnomAD compares: African/African-American, 0.0042%; no homozygotes.

Submissions (3):

Fulgent Genetics
Classification: Uncertain significance for Hydrocephalus, nonsyndromic, autosomal recessive 1; Spinocerebellar ataxia type 40. Last evaluated: 2024-04-04. Review status: criteria provided, single submitter. Criteria: ACMG Guidelines, 2015. Collection method: clinical testing. Allele origin: germline.

Ambry Genetics
Classification: Likely benign for Inborn genetic diseases. Last evaluated: 2022-12-28. Review status: criteria provided, single submitter. Criteria: Ambry Variant Classification Scheme 2023. Collection method: clinical testing. Allele origin: germline.

Labcorp Genetics (formerly Invitae), Labcorp
Classification: Uncertain significance. Last evaluated: 2022-04-12. Review status: criteria provided, single submitter. Criteria: Invitae Variant Classification Sherloc (09022015). Collection method: clinical testing. Allele origin: germline.
Comment: This sequence change replaces alanine, which is neutral and non-polar, with threonine, which is neutral and polar, at codon 1737 of the CCDC88C protein (p.Ala1737Thr). The frequency data for this variant in the population databases is considered unreliable, as metrics indicate poor data quality at this position in the gnomAD database. This variant has not been reported in the literature in individuals affected with CCDC88C-related conditions. Algorithms developed to predict the effect of missense changes on protein structure and function output the following: SIFT: "Tolerated"; PolyPhen-2: "Benign"; Align-GVGD: "Class C0". The threonine amino acid residue is found in multiple mammalian species, which suggests that this missense change does not adversely affect protein function. In summary, the available evidence is currently insufficient to determine the role of this variant in disease. Therefore, it has been classified as a Variant of Uncertain Significance.

NM_001080414.4(CCDC88C):c.5209G>A (p.Ala1737Thr)

Gene: CCDC88C (coiled-coil and HOOK domain protein 88C; minus strand). Cytogenetic location: 14q32.11.
Variant type: single nucleotide variant.
Coding change: c.5209G>A on transcript NM_001080414.4 (MANE Select); coding-DNA position 5209, G replaced by A.
Protein change: p.Ala1737Thr; replaces alanine 1737 with threonine.
Molecular consequence: missense variant.
Genome position (GRCh38, 1-based): chr14:91,273,503, C>T on the plus strand (G>A on the coding strand, the complement: CCDC88C is on the minus strand). VCF-style: chr14-91273503-C-T. GRCh37 (hg19) VCF-style: chr14-91739847-C-T.
Other names: c.5209G>A (NM_001080414.3); short protein forms A1737T.
Identifiers: ClinVar variation 2163153 (VCV002163153.3), dbSNP rs574962577, ClinGen allele CA7308708.